The following is an entry in ClinVar:

ClinVar aggregate classification (germline): Uncertain significance (1 of 4 stars; one submission).

Conditions:
Muscular dystrophy-dystroglycanopathy (congenital with brain and eye anomalies), type A13. Also called: WALKER-WARBURG SYNDROME OR MUSCLE-EYE-BRAIN DISEASE, B3GNT1-RELATED; Muscular dystrophy-dystroglycanopathy (congenital with brain and eye anomalies), type a, 13. Identifiers: Orphanet 899, MedGen C3809042, MONDO:0014120, OMIM 615287.

Submission:

Labcorp Genetics (formerly Invitae), Labcorp
Classification: Uncertain significance for Muscular dystrophy-dystroglycanopathy (congenital with brain and eye anomalies), type A13. Last evaluated: 2021-07-06. Review status: criteria provided, single submitter. Criteria: Invitae Variant Classification Sherloc (09022015). Collection method: clinical testing. Allele origin: germline.
Comment: This sequence change replaces valine with leucine at codon 319 of the B4GAT1 protein (p.Val319Leu). The valine residue is moderately conserved and there is a small physicochemical difference between valine and leucine. This variant is not present in population databases (ExAC no frequency). This variant has not been reported in the literature in individuals affected with B4GAT1-related conditions. Algorithms developed to predict the effect of missense changes on protein structure and function are either unavailable or do not agree on the potential impact of this missense change (SIFT: "Tolerated"; PolyPhen-2: "Possibly Damaging"; Align-GVGD: "Class C0"). In summary, the available evidence is currently insufficient to determine the role of this variant in disease. Therefore, it has been classified as a Variant of Uncertain Significance.

NM_006876.3(B4GAT1):c.955G>C (p.Val319Leu)

Gene: B4GAT1 (beta-1,4-glucuronyltransferase 1; minus strand). Cytogenetic location: 11q13.2.
Variant type: single nucleotide variant.
Coding change: c.955G>C on transcript NM_006876.3 (MANE Select); coding-DNA position 955, G replaced by C.
Protein change: p.Val319Leu; replaces valine 319 with leucine.
Molecular consequence: missense variant.
Genome position (GRCh38, 1-based): chr11:66,346,591, C>G on the plus strand (G>C on the coding strand, the complement: B4GAT1 is on the minus strand). VCF-style: chr11-66346591-C-G. GRCh37 (hg19) VCF-style: chr11-66114062-C-G.
Other names: short protein forms V319L.
Identifiers: ClinVar variation 1469501 (VCV001469501.8), dbSNP rs2134974418, ClinGen allele CA381417287.